The following is an entry in ClinVar:

ClinVar aggregate classification (germline): Uncertain significance. Review status: criteria provided, multiple submitters, no conflicts (2 of 4 stars). 2 submissions from 2 submitters: Uncertain significance (2). Last evaluated 2025-12-16.

Conditions:
Inborn genetic diseases. Identifiers: MedGen C0950123, MeSH D030342.
Cryptosporidiosis-chronic cholangitis-liver disease syndrome. Also called: IL21R immunodeficiency; Immunodeficiency type 56. Identifiers: Orphanet 357329, MedGen C3554687, MONDO:0014082, OMIM 615207.

Submissions (2):

Ambry Genetics
Classification: Uncertain significance for Inborn genetic diseases. Last evaluated: 2025-12-16. Review status: criteria provided, single submitter. Criteria: Ambry Variant Classification Scheme 2023. Collection method: clinical testing. Allele origin: germline.

Labcorp Genetics (formerly Invitae), Labcorp
Classification: Uncertain significance for Cryptosporidiosis-chronic cholangitis-liver disease syndrome. Last evaluated: 2022-03-03. Review status: criteria provided, single submitter. Criteria: Invitae Variant Classification Sherloc (09022015). Collection method: clinical testing. Allele origin: germline.
Comment: In summary, the available evidence is currently insufficient to determine the role of this variant in disease. Therefore, it has been classified as a Variant of Uncertain Significance. Algorithms developed to predict the effect of missense changes on protein structure and function output the following: SIFT: "Tolerated"; PolyPhen-2: "Benign"; Align-GVGD: "Class C0". The glycine amino acid residue is found in multiple mammalian species, which suggests that this missense change does not adversely affect protein function. This variant has not been reported in the literature in individuals affected with IL21R-related conditions. This variant is not present in population databases (gnomAD no frequency). This sequence change replaces serine, which is neutral and polar, with glycine, which is neutral and non-polar, at codon 324 of the IL21R protein (p.Ser324Gly).

NM_181078.3(IL21R):c.970A>G (p.Ser324Gly)

Genes: IL21R (interleukin 21 receptor; plus strand), IL21R-AS1 (IL21R antisense RNA 1; minus strand). Cytogenetic location: 16p12.1.
Variant type: single nucleotide variant.
Coding change: c.970A>G on transcript NM_181078.3 (MANE Select); coding-DNA position 970, A replaced by G.
Protein change: p.Ser324Gly; replaces serine 324 with glycine.
Molecular consequence: missense variant. On other transcripts: non-coding transcript variant (1).
Genome position (GRCh38, 1-based): chr16:27,448,636, A>G. VCF-style: chr16-27448636-A-G. GRCh37 (hg19) VCF-style: chr16-27459957-A-G.
Other names: c.970A>G, p.Ser324Gly (NM_021798.4); c.1036A>G, p.Ser346Gly (NM_181079.5); c.1036A>G (NM_181079.4); short protein forms S324G, S346G.
Identifiers: ClinVar variation 2106085 (VCV002106085.5), dbSNP rs2543389390, ClinGen allele CA395306922.